The following is an entry in ClinVar:

NM_000466.3(PEX1):c.819_835delinsGTCT (p.Phe273fs)

Gene: PEX1 (peroxisomal biogenesis factor 1; minus strand). Cytogenetic location: 7q21.2.
Variant type: Indel.
Coding change: c.819_835delinsGTCT on transcript NM_000466.3 (MANE Select); coding-DNA positions 819 to 835, CAAAAATATGCAGTCAA replaced by GTCT.
Protein change: p.Phe273fs; shifts the reading frame from phenylalanine 273.
Molecular consequence: frameshift variant.
Genome position (GRCh38, 1-based): chr7:92,517,680-92,517,696, TTGACTGCATATTTTTG replaced by AGAC on the plus strand (CAAAAATATGCAGTCAA replaced by GTCT on the coding strand, the reverse complement: PEX1 is on the minus strand). VCF-style: chr7-92517680-TTGACTGCATATTTTTG-AGAC. GRCh37 (hg19) VCF-style: chr7-92146994-TTGACTGCATATTTTTG-AGAC.
Other names: c.819_835delinsGTCT, p.Phe273fs (NM_001282677.2); c.195_211delinsGTCT, p.Phe65fs (NM_001282678.2); short protein forms F65fs, F273fs.
Identifiers: ClinVar variation 965312 (VCV000965312.7), dbSNP rs1792860966, ClinGen allele CA1139659843.

ClinVar aggregate classification (germline): Pathogenic/Likely pathogenic. Review status: criteria provided, multiple submitters, no conflicts (2 of 4 stars). 2 submissions from 2 submitters: Pathogenic (1); Likely pathogenic (1). Last evaluated 2024-08-22.

Conditions:
Zellweger spectrum disorders (ZS). Also called: Zellweger Spectrum Disorder; Zellweger Spectrum; Zellweger syndrome; Zellweger Spectrum Disorder (ZSD). Identifiers: Orphanet 912, MedGen C0043459, MONDO:0019609.

Submissions (2):

Natera, Inc.
Classification: Likely pathogenic for Zellweger syndrome. Last evaluated: 2024-08-22. Review status: criteria provided, single submitter. Criteria: Natera Variant Classification Schema (03/2026). Collection method: clinical testing. Allele origin: germline.
Comment: The c.819_835delinsGTCT variant in PEX1 is a frameshift variant predicted to shift the reading frame beginning at codon 273 and leads to a stop codon 7 codons downstream. This variant is expected to result in nonsense mediated decay, truncation, or a dysfunctional protein product. This variant is rare in the general population with a frequency below the threshold expected for the associated phenotype(s). Given the available evidence, this variant is classified as Likely Pathogenic.

Labcorp Genetics (formerly Invitae), Labcorp
Classification: Pathogenic for Zellweger spectrum disorders. Last evaluated: 2023-09-08. Review status: criteria provided, single submitter. Criteria: Invitae Variant Classification Sherloc (09022015). Collection method: clinical testing. Allele origin: germline.
Comment: For these reasons, this variant has been classified as Pathogenic. This variant has not been reported in the literature in individuals affected with PEX1-related conditions. Information on the frequency of this variant in the gnomAD database is not available, as this variant may be reported differently in the database. This sequence change creates a premature translational stop signal (p.Phe273Leufs*7) in the PEX1 gene. It is expected to result in an absent or disrupted protein product. Loss-of-function variants in PEX1 are known to be pathogenic (PMID: 21031596, 26387595, 31831025).

Literature cited by the submitters: PubMed 21031596 (cited by Labcorp Genetics (formerly Invitae), Labcorp); PubMed 26387595 (cited by Labcorp Genetics (formerly Invitae), Labcorp); PubMed 31831025 (cited by Labcorp Genetics (formerly Invitae), Labcorp).